The following is an entry in ClinVar:

ClinVar aggregate classification (germline): Uncertain significance (1 of 4 stars; one submission).

Conditions:
Gorlin syndrome. Also called: Nevoid Basal Cell Carcinoma Syndrome; Basal cell nevus syndrome. Identifiers: Orphanet 377, MedGen C0004779, MONDO:0007187.

Submission:

Labcorp Genetics (formerly Invitae), Labcorp
Classification: Uncertain significance for Gorlin syndrome. Last evaluated: 2023-09-17. Review status: criteria provided, single submitter. Criteria: Invitae Variant Classification Sherloc (09022015). Collection method: clinical testing. Allele origin: germline.
Comment: In summary, the available evidence is currently insufficient to determine the role of this variant in disease. Therefore, it has been classified as a Variant of Uncertain Significance. Advanced modeling of protein sequence and biophysical properties (such as structural, functional, and spatial information, amino acid conservation, physicochemical variation, residue mobility, and thermodynamic stability) performed at Invitae indicates that this missense variant is not expected to disrupt PTCH1 protein function. This variant has not been reported in the literature in individuals affected with PTCH1-related conditions. This variant is not present in population databases (gnomAD no frequency). This sequence change replaces leucine, which is neutral and non-polar, with valine, which is neutral and non-polar, at codon 262 of the PTCH1 protein (p.Leu262Val).

NM_000264.5(PTCH1):c.784T>G (p.Leu262Val)

Gene: PTCH1 (patched 1; minus strand). Cytogenetic location: 9q22.32.
Variant type: single nucleotide variant.
Coding change: c.784T>G on transcript NM_000264.5 (MANE Select); coding-DNA position 784, T replaced by G.
Protein change: p.Leu262Val; replaces leucine 262 with valine.
Molecular consequence: missense variant. On other transcripts: non-coding transcript variant (1).
Genome position (GRCh38, 1-based): chr9:95,480,551, A>C on the plus strand (T>G on the coding strand, the complement: PTCH1 is on the minus strand). VCF-style: chr9-95480551-A-C. GRCh37 (hg19) VCF-style: chr9-98242833-A-C.
Other names: c.586T>G, p.Leu196Val (NM_001083602.3); c.781T>G, p.Leu261Val (NM_001083603.3); c.331T>G, p.Leu111Val (NM_001083604.3, NM_001083605.3, NM_001083606.3 and 1 more transcripts); c.784T>G, p.Leu262Val (NM_001354918.2); short protein forms L111V, L196V, L261V, L262V.
Identifiers: ClinVar variation 3020763 (VCV003020763.3), dbSNP rs2118426439, ClinGen allele CA374114415.